The following is an entry in ClinVar:

ClinVar aggregate classification (germline): Uncertain significance. Review status: criteria provided, multiple submitters, no conflicts (2 of 4 stars). 2 submissions from 2 submitters: Uncertain significance (2). Last evaluated 2025-12-17.

Conditions:
Hereditary sensory neuropathy-deafness-dementia syndrome. Also called: HSN IE; Hereditary Sensory and Autonomic Neuropathy Type 1E (HSAN1E); Hereditary sensory neuropathy type IE; NEUROPATHY, HEREDITARY SENSORY, WITH HEARING LOSS AND DEMENTIA. Identifiers: Orphanet 456318, MedGen C3279885, MONDO:0013584, OMIM 614116.
DNMT1-related disorder. Also called: DNMT1-related condition. Identifiers: MedGen CN381527.

Allele frequency attached by ClinVar (database versions not stated): ExAC 0.00001; gnomAD 0.00001; gnomAD exomes 0.00001 and 0.00002.
gnomAD v4.1: 9 of 1,603,932 alleles (0.00056%); highest among the groups gnomAD compares: Non-Finnish European, 0.00068%; no homozygotes.

Submissions (3):

PreventionGenetics, part of Exact Sciences
Classification: Uncertain significance for DNMT1-related condition. Last evaluated: 2025-12-17. Review status: criteria provided, single submitter. Criteria: ACMG Guidelines, 2015. Collection method: clinical testing. Allele origin: germline.
Comment: The DNMT1 c.1399+5G>A variant is predicted to interfere with splicing. To our knowledge, this variant has not been reported in the literature. This variant is reported in 0.0035% of alleles in individuals of European (Non-Finnish) descent in gnomAD. At this time, the clinical significance of this variant is uncertain due to the absence of conclusive functional and genetic evidence.

Labcorp Genetics (formerly Invitae), Labcorp
Classification: Uncertain significance for Hereditary sensory neuropathy-deafness-dementia syndrome. Last evaluated: 2021-02-03. Review status: criteria provided, single submitter. Criteria: Invitae Variant Classification Sherloc (09022015). Collection method: clinical testing. Allele origin: germline.
Comment: In summary, the available evidence is currently insufficient to determine the role of this variant in disease. Therefore, it has been classified as a Variant of Uncertain Significance. Nucleotide substitutions within the consensus splice site are a relatively common cause of aberrant splicing (PMID: 17576681, 9536098). Algorithms developed to predict the effect of sequence changes on RNA splicing suggest that this variant is not likely to affect RNA splicing, but this prediction has not been confirmed by published transcriptional studies. This variant has not been reported in the literature in individuals with DNMT1-related conditions. This variant is present in population databases (rs764995156, ExAC 0.002%). This sequence change falls in intron 18 of the DNMT1 gene. It does not directly change the encoded amino acid sequence of the DNMT1 protein, but it affects a nucleotide within the consensus splice site of the intron.

Dr. Peter K. Rogan Lab, Western University
No classification provided (evidence only). Condition: Malignant tumor of esophagus. Review status: no classification provided. Collection method: in vitro. Allele origin: not applicable. Functional consequence: retained intron. Not counted in ClinVar's aggregate classification.

Literature cited by the submitters: PubMed 17576681 (cited by Labcorp Genetics (formerly Invitae), Labcorp); PubMed 9536098 (cited by Labcorp Genetics (formerly Invitae), Labcorp).

NM_001130823.3(DNMT1):c.1399+5G>A

Gene: DNMT1 (DNA methyltransferase 1; minus strand). Cytogenetic location: 19p13.2.
Variant type: single nucleotide variant.
Coding change: c.1399+5G>A on transcript NM_001130823.3 (MANE Select); 5 bases into the intron after coding-DNA position 1399, G replaced by A.
Molecular consequence: intron variant.
Genome position (GRCh38, 1-based): chr19:10,156,386, C>T on the plus strand (G>A on the coding strand, the complement: DNMT1 is on the minus strand). VCF-style: chr19-10156386-C-T. GRCh37 (hg19) VCF-style: chr19-10267062-C-T.
Other names: c.1036+5G>A (NM_001318731.2); c.1351+5G>A (NM_001379.4, NM_001318730.2); c.1399+5G>A (NM_001130823.2).
Identifiers: ClinVar variation 1055305 (VCV001055305.9), dbSNP rs764995156, ClinGen allele CA9188312.